The following is an entry in ClinVar:

ClinVar aggregate classification (germline): Uncertain significance (1 of 4 stars; one submission).

Conditions:
Primary ciliary dyskinesia. Also called: Ciliary dyskinesia. Identifiers: Orphanet 244, MedGen C0008780, MONDO:0016575, HP:0012265.

Submission:

Labcorp Genetics (formerly Invitae), Labcorp
Classification: Uncertain significance for Primary ciliary dyskinesia. Last evaluated: 2018-04-24. Review status: criteria provided, single submitter. Criteria: Invitae Variant Classification Sherloc (09022015). Collection method: clinical testing. Allele origin: germline.
Comment: This sequence change replaces isoleucine with valine at codon 56 of the DNAAF2 protein (p.Ile56Val). The isoleucine residue is highly conserved and there is a small physicochemical difference between isoleucine and valine. This variant is not present in population databases (ExAC no frequency). This variant has not been reported in the literature in individuals with DNAAF2-related disease. Algorithms developed to predict the effect of missense changes on protein structure and function output the following: SIFT: "Deleterious"; PolyPhen-2: "Possibly Damaging"; Align-GVGD: "Class C0". The valine amino acid residue is found in multiple mammalian species, suggesting that this missense change does not adversely affect protein function. These predictions have not been confirmed by published functional studies and their clinical significance is uncertain. Algorithms developed to predict the effect of sequence changes on RNA splicing suggest that this variant may create or strengthen a splice site, but this prediction has not been confirmed by published transcriptional studies. In summary, the available evidence is currently insufficient to determine the role of this variant in disease. Therefore, it has been classified as a Variant of Uncertain Significance.

NM_018139.3(DNAAF2):c.166A>G (p.Ile56Val)

Gene: DNAAF2 (dynein axonemal assembly factor 2; minus strand). Cytogenetic location: 14q21.3.
Variant type: single nucleotide variant.
Coding change: c.166A>G on transcript NM_018139.3 (MANE Select); coding-DNA position 166, A replaced by G.
Protein change: p.Ile56Val; replaces isoleucine 56 with valine.
Molecular consequence: missense variant.
Genome position (GRCh38, 1-based): chr14:49,634,984, T>C on the plus strand (A>G on the coding strand, the complement: DNAAF2 is on the minus strand). VCF-style: chr14-49634984-T-C. GRCh37 (hg19) VCF-style: chr14-50101702-T-C.
Other names: c.166A>G, p.Ile56Val (NM_001083908.2); short protein forms I56V.
Identifiers: ClinVar variation 575748 (VCV000575748.9), dbSNP rs1566513759, ClinGen allele CA389632438.